The following is an entry in ClinVar:

NM_000263.4(NAGLU):c.1312del (p.Met438fs)

Gene: NAGLU (N-acetyl-alpha-glucosaminidase; plus strand). Cytogenetic location: 17q21.2.
Variant type: Deletion.
Coding change: c.1312del on transcript NM_000263.4 (MANE Select); coding-DNA position 1312, one base deleted (A; older notation c.1312delA).
Protein change: p.Met438fs; shifts the reading frame from methionine 438.
Molecular consequence: frameshift variant.
Genome position (GRCh38, 1-based): chr17:42,543,318, A deleted. VCF-style (leftmost placement, unchanged base first): chr17-42543317-CA-C. GRCh37 (hg19) VCF-style: chr17-40695335-CA-C.
Other names: short protein forms M438fs.
Identifiers: ClinVar variation 5004562 (VCV005004562.1).

ClinVar aggregate classification (germline): Pathogenic (1 of 4 stars; one submission).

Conditions:
Mucopolysaccharidosis, MPS-III-B (MPS3B). Also called: N-ACETYL-ALPHA-D-GLUCOSAMINIDASE DEFICIENCY; NAGLU DEFICIENCY; SANFILIPPO SYNDROME B; MPS III B; Mucopolysaccharidosis type IIIB (Sanfilippo B); MUCOPOLYSACCHARIDOSIS, TYPE IIIB. Identifiers: Orphanet 79270, MedGen C0086648, MONDO:0009656, OMIM 252920.

Submission:

Myriad Genetics, Inc.
Classification: Pathogenic for Mucopolysaccharidosis, MPS-III-B. Last evaluated: 2026-03-26. Review status: criteria provided, single submitter. Criteria: Myriad Autosomal Dominant, Autosomal Recessive and X-Linked Classification Criteria (2023). Collection method: clinical testing. Allele origin: unknown.
Comment: NM_000263.3(NAGLU):c.1312delA(M438Wfs*2) is a frameshift variant classified as pathogenic in the context of mucopolysaccharidosis type IIIB. M438Wfs*2 has not been observed in cases with relevant disease. Relevant functional assessments of this variant are not available in the literature. M438Wfs*2 has not been observed in referenced population frequency databases. In summary, NM_000263.3(NAGLU):c.1312delA(M438Wfs*2) is a frameshift variant in a gene where loss of function is a known mechanism of disease and is predicted to disrupt protein function. Please note: this variant was assessed in the context of healthy population screening.